The following is an entry in ClinVar:

ClinVar aggregate classification (germline): Uncertain significance (1 of 4 stars; one submission).

Allele frequency attached by ClinVar (database versions not stated): gnomAD exomes below 0.00001.
gnomAD v4.1: 2 of 1,602,860 alleles (0.00012%); highest among the groups gnomAD compares: Admixed American, 0.0017%; no homozygotes.

Submission:

Labcorp Genetics (formerly Invitae), Labcorp
Classification: Uncertain significance. Last evaluated: 2026-01-03. Review status: criteria provided, single submitter. Criteria: Invitae Variant Classification Sherloc (09022015). Collection method: clinical testing. Allele origin: germline.
Comment: This sequence change replaces proline, which is neutral and non-polar, with alanine, which is neutral and non-polar, at codon 53 of the LMX1B protein (p.Pro53Ala). This variant is present in population databases (no rsID available, gnomAD 0.003%). This variant has not been reported in the literature in individuals affected with LMX1B-related conditions. ClinVar contains an entry for this variant (Variation ID: 1005016). Invitae Evidence Modeling of protein sequence and biophysical properties (such as structural, functional, and spatial information, amino acid conservation, physicochemical variation, residue mobility, and thermodynamic stability) indicates that this missense variant is not expected to disrupt LMX1B protein function with a negative predictive value of 80%. In summary, the available evidence is currently insufficient to determine the role of this variant in disease. Therefore, it has been classified as a Variant of Uncertain Significance.

NM_001174147.2(LMX1B):c.157C>G (p.Pro53Ala)

Gene: LMX1B (LIM homeobox transcription factor 1 beta; plus strand). Cytogenetic location: 9q33.3.
Variant type: single nucleotide variant.
Coding change: c.157C>G on transcript NM_001174147.2 (MANE Select); coding-DNA position 157, C replaced by G.
Protein change: p.Pro53Ala; replaces proline 53 with alanine.
Molecular consequence: missense variant.
Genome position (GRCh38, 1-based): chr9:126,615,400, C>G. VCF-style: chr9-126615400-C-G. GRCh37 (hg19) VCF-style: chr9-129377679-C-G.
Other names: c.157C>G, p.Pro53Ala (NM_001174146.2, NM_002316.4); short protein forms P53A.
Identifiers: ClinVar variation 1005016 (VCV001005016.8), dbSNP rs1228632022, ClinGen allele CA374909878.